The following is an entry in ClinVar:

NM_003873.7(NRP1):c.2631C>A (p.Val877=)

Gene: NRP1 (neuropilin 1; minus strand). Cytogenetic location: 10p11.22.
Variant type: single nucleotide variant.
Coding change: c.2631C>A on transcript NM_003873.7 (MANE Select); coding-DNA position 2631, C replaced by A.
Protein change: p.Val877=; no amino-acid change (valine 877 retained).
Molecular consequence: synonymous variant. On other transcripts: non-coding transcript variant (1).
Genome position (GRCh38, 1-based): chr10:33,180,217, G>T on the plus strand (C>A on the coding strand, the complement: NRP1 is on the minus strand). VCF-style: chr10-33180217-G-T. GRCh37 (hg19) VCF-style: chr10-33469145-G-T.
Other names: c.2613C>A, p.Val871= (NM_001244972.2); c.2610C>A, p.Val870= (NM_001244973.2); c.2580C>A, p.Val860= (NM_001330068.2).
Identifiers: ClinVar variation 3052606 (VCV003052606.2), dbSNP rs146431911, ClinGen allele CA5466114.

ClinVar aggregate classification (germline): Benign (0 of 4 stars; one submission).

Conditions:
NRP1-related disorder. Also called: NRP1-related condition.

Allele frequency attached by ClinVar (database versions not stated): 1000 Genomes Project 30x 0.00031; 1000 Genomes Project 0.00040; TOPMed 0.00087; ESP Exome Variant Server 0.00108.

Submission:

PreventionGenetics, part of Exact Sciences
Classification: Benign for NRP1-related condition. Last evaluated: 2019-11-11. Review status: no assertion criteria provided. Collection method: clinical testing. Allele origin: germline.
Comment: This variant is classified as benign based on ACMG/AMP sequence variant interpretation guidelines (Richards et al. 2015 PMID: 25741868, with internal and published modifications).